The following is an entry in ClinVar:

ClinVar aggregate classification (germline): Uncertain significance (1 of 4 stars; one submission).

Conditions:
Cystic fibrosis (CF). Also called: MUCOVISCIDOSIS. Identifiers: Orphanet 586, MedGen C0010674, MONDO:0009061, OMIM 219700. Disease mechanism: loss of function.

Submission:

Institute of Human Genetics, University of Leipzig Medical Center
Classification: Uncertain significance for Cystic fibrosis. Last evaluated: 2023-07-26. Review status: criteria provided, single submitter. Criteria: ACMG Guidelines, 2015. Collection method: curation. Allele origin: unknown. Affected: yes. Observed: 1 variant allele.
Comment: This variant was classified based on the report of 1 patient with a clinically confirmed diagnosis of cystic fibrosis in the context of re-classifying variants in the German Cystic Fibrosis Registry (Muko e.V.). Patients have not been seen personally, but only reports were evaluated. Criteria applied:PM4, PM2_SUP

NM_000492.4(CFTR):c.4345_*487delinsTTG (p.Phe1450fs)

Genes: CFTR (CF transmembrane conductance regulator; plus strand), LOC111674477 (CFTR intron 23 enhancer; plus strand). Cytogenetic location: 7q31.2.
Variant type: Indel.
Coding change: c.4345_*487delinsTTG on transcript NM_000492.4 (MANE Select); coding-DNA position 4345 through 487 bases downstream of the stop codon, the reference bases replaced by TTG.
Protein change: p.Phe1450fs; shifts the reading frame from phenylalanine 1450.
Molecular consequence: frameshift variant.
Genome position (GRCh38, 1-based): chr7:117,667,010-117,667,595, 586 bases replaced. GRCh37 (hg19): chr7:117,307,064-117,307,649.
Other names: short protein forms F1450fs.
Identifiers: ClinVar variation 2579741 (VCV002579741.1), dbSNP rs2485185754, ClinGen allele CA2580617915.